The following is an entry in ClinVar:

NM_000144.5(FXN):c.165+5G>C

Genes: FXN (frataxin; plus strand), LOC130001862 (ATAC-STARR-seq lymphoblastoid silent region 19931; plus strand). Cytogenetic location: 9q21.11.
Variant type: single nucleotide variant.
Coding change: c.165+5G>C on transcript NM_000144.5 (MANE Select); 5 bases into the intron after coding-DNA position 165, G replaced by C.
Molecular consequence: intron variant.
Genome position (GRCh38, 1-based): chr9:69,035,952, G>C. VCF-style: chr9-69035952-G-C. GRCh37 (hg19) VCF-style: chr9-71650868-G-C.
Other names: c.165+5G>C (NM_181425.3).
Identifiers: ClinVar variation 3571552 (VCV003571552.2).

ClinVar aggregate classification (germline): Pathogenic (1 of 4 stars; one submission).

gnomAD v4.1: 18 of 1,461,422 alleles (0.0012%); highest among the groups gnomAD compares: East Asian, 0.009%; no homozygotes.

Submission:

Athena Diagnostics
Classification: Pathogenic. Last evaluated: 2024-02-16. Review status: criteria provided, single submitter. Criteria: Athena Diagnostics Criteria. Collection method: clinical testing. Allele origin: unknown.
Comment: This variant has been reported in multiple individuals with a single recessive pathogenic variant in the same gene, which is suggestive of pathogenicity. Evidence from patient-derived sample(s) with this variant suggests the encoded protein has abnormal function, however, these results may be due to other factors. This variant has not been reported in large, multi-ethnic general populations. Computational tools yielded predictions that this variant may interfere with normal RNA splicing.

Literature cited by the submitters: PubMed 10766903; PubMed 37334854; PubMed 26339677.